The following is an entry in ClinVar:

NM_000526.5(KRT14):c.1138G>A (p.Val380Met)

Gene: KRT14 (keratin 14; minus strand). Cytogenetic location: 17q21.2.
Variant type: single nucleotide variant.
Coding change: c.1138G>A on transcript NM_000526.5 (MANE Select); coding-DNA position 1138, G replaced by A.
Protein change: p.Val380Met; replaces valine 380 with methionine.
Molecular consequence: missense variant.
Genome position (GRCh38, 1-based): chr17:41,583,371, C>T on the plus strand (G>A on the coding strand, the complement: KRT14 is on the minus strand). VCF-style: chr17-41583371-C-T. GRCh37 (hg19) VCF-style: chr17-39739623-C-T.
Other names: short protein forms V380M.
Identifiers: ClinVar variation 2722382 (VCV002722382.3), dbSNP rs772032843, ClinGen allele CA8562489.

ClinVar aggregate classification (germline): Uncertain significance (1 of 4 stars; one submission).

Allele frequency attached by ClinVar (database versions not stated): ExAC 0.00002; TOPMed 0.00002; gnomAD 0.00003.
gnomAD v4.1: 30 of 1,613,562 alleles (0.0019%); highest among the groups gnomAD compares: East Asian, 0.022%; no homozygotes.

Submission:

Labcorp Genetics (formerly Invitae), Labcorp
Classification: Uncertain significance. Last evaluated: 2023-10-13. Review status: criteria provided, single submitter. Criteria: Invitae Variant Classification Sherloc (09022015). Collection method: clinical testing. Allele origin: germline.
Comment: This sequence change replaces valine, which is neutral and non-polar, with methionine, which is neutral and non-polar, at codon 380 of the KRT14 protein (p.Val380Met). This variant is present in population databases (rs772032843, gnomAD 0.01%). This variant has not been reported in the literature in individuals affected with KRT14-related conditions. Advanced modeling of protein sequence and biophysical properties (such as structural, functional, and spatial information, amino acid conservation, physicochemical variation, residue mobility, and thermodynamic stability) performed at Invitae indicates that this missense variant is not expected to disrupt KRT14 protein function. In summary, the available evidence is currently insufficient to determine the role of this variant in disease. Therefore, it has been classified as a Variant of Uncertain Significance.